The following is an entry in ClinVar:

NM_001693.4(ATP6V1B2):c.350del (p.Asp117fs)

Gene: ATP6V1B2 (ATPase H+ transporting V1 subunit B2; plus strand). Cytogenetic location: 8p21.3.
Variant type: Deletion.
Coding change: c.350del on transcript NM_001693.4 (MANE Select); coding-DNA position 350, one base deleted (A; older notation c.350delA).
Protein change: p.Asp117fs; shifts the reading frame from aspartic acid 117.
Molecular consequence: frameshift variant.
Genome position (GRCh38, 1-based): chr8:20,210,404, A deleted. VCF-style (leftmost placement, unchanged base first): chr8-20210403-GA-G. GRCh37 (hg19) VCF-style: chr8-20067914-GA-G.
Other names: short protein forms D117fs.
Identifiers: ClinVar variation 2663062 (VCV002663062.1), dbSNP rs2486459552, ClinGen allele CA2686366262.

ClinVar aggregate classification (germline): Uncertain significance (1 of 4 stars; one submission).

Allele frequency attached by ClinVar (database versions not stated): gnomAD exomes below 0.00001.

Submission:

GeneDx
Classification: Uncertain significance. Last evaluated: 2023-05-09. Review status: criteria provided, single submitter. Criteria: GeneDx Variant Classification Process June 2021. Collection method: clinical testing. Allele origin: germline. Affected: yes.
Comment: Frameshift variant predicted to result in protein truncation or nonsense mediated decay in a gene or region of a gene for which loss of function is not a well-established mechanism of disease; Not observed at significant frequency in large population cohorts (gnomAD); Has not been previously published as pathogenic or benign to our knowledge